The following is an entry in ClinVar:

NM_001292034.3(TAB2):c.282A>G (p.Gly94=)

Gene: TAB2 (TGF-beta activated kinase 1 (MAP3K7) binding protein 2; plus strand). Cytogenetic location: 6q25.1.
Variant type: single nucleotide variant.
Coding change: c.282A>G on transcript NM_001292034.3 (MANE Select); coding-DNA position 282, A replaced by G.
Protein change: p.Gly94=; no amino-acid change (glycine 94 retained).
Molecular consequence: synonymous variant.
Genome position (GRCh38, 1-based): chr6:149,378,197, A>G. VCF-style: chr6-149378197-A-G. GRCh37 (hg19) VCF-style: chr6-149699333-A-G.
Other names: c.282A>G (NM_015093.5); c.186A>G, p.Gly62= (NM_001292035.3); c.282A>G, p.Gly94= (NM_001369506.1, NM_015093.6).
Identifiers: ClinVar variation 1174368 (VCV001174368.13), dbSNP rs13215304, ClinGen allele CA4041377.

ClinVar aggregate classification (germline): Benign/Likely benign. Review status: criteria provided, multiple submitters, no conflicts (2 of 4 stars). 5 submissions from 5 submitters: Benign (1); Likely benign (3). 1 of the submissions does not count toward it. Last evaluated 2026-01-31.

Conditions:
TAB2-related disorder.

Allele frequency attached by ClinVar (database versions not stated): 1000 Genomes Project 30x 0.01093; 1000 Genomes Project 0.01098; ExAC 0.02017; gnomAD exomes 0.02100 and 0.02912; gnomAD 0.02112 and 0.02185; TOPMed 0.02214; ESP Exome Variant Server 0.02307.
gnomAD v4.1: 45,615 of 1,614,160 alleles (2.8%); highest among the groups gnomAD compares: Non-Finnish European, 3.4%; 775 homozygotes.

Submissions (5):

Labcorp Genetics (formerly Invitae), Labcorp
Classification: Benign. Last evaluated: 2026-01-31. Review status: criteria provided, single submitter. Criteria: Invitae Variant Classification Sherloc (09022015). Collection method: clinical testing. Allele origin: germline.

Blueprint Genetics
Classification: Likely benign. Last evaluated: 2024-11-26. Review status: criteria provided, single submitter. Criteria: ACMG Guidelines, 2015. Collection method: clinical testing. Allele origin: germline.

GeneDx
Classification: Likely benign. Last evaluated: 2021-01-06. Review status: criteria provided, single submitter. Criteria: GeneDx Variant Classification (06012015). Collection method: clinical testing. Allele origin: germline. Affected: yes.

Breakthrough Genomics
Classification: Likely benign. Review status: criteria provided, single submitter. Criteria: ACMG Guidelines, 2015. Collection method: not provided. Allele origin: germline. Inheritance: Autosomal dominant inheritance. Affected: yes.

PreventionGenetics, part of Exact Sciences
Classification: Benign for TAB2-related condition. Last evaluated: 2019-07-26. Review status: no assertion criteria provided. Collection method: clinical testing. Allele origin: germline. Not counted in ClinVar's aggregate classification.
Comment: This variant is classified as benign based on ACMG/AMP sequence variant interpretation guidelines (Richards et al. 2015 PMID: 25741868, with internal and published modifications).